The following is an entry in ClinVar:

NM_015662.3(IFT172):c.1993G>A (p.Glu665Lys)

Gene: IFT172 (intraflagellar transport 172; minus strand). Cytogenetic location: 2p23.3.
Variant type: single nucleotide variant.
Coding change: c.1993G>A on transcript NM_015662.3 (MANE Select); coding-DNA position 1993, G replaced by A.
Protein change: p.Glu665Lys; replaces glutamic acid 665 with lysine.
Molecular consequence: missense variant.
Genome position (GRCh38, 1-based): chr2:27,463,126, C>T on the plus strand (G>A on the coding strand, the complement: IFT172 is on the minus strand). VCF-style: chr2-27463126-C-T. GRCh37 (hg19) VCF-style: chr2-27685993-C-T.
Other names: c.1927G>A, p.Glu643Lys (NM_001410739.1); short protein forms E665K, E643K.
Identifiers: ClinVar variation 2004034 (VCV002004034.4), dbSNP rs1195410569, ClinGen allele CA346385290.

ClinVar aggregate classification (germline): Uncertain significance (1 of 4 stars; one submission).

Conditions:
Retinitis pigmentosa 71 (RP71). Identifiers: Orphanet 791, MedGen C4225342, MONDO:0014618, OMIM 616394.
Short-rib thoracic dysplasia 10 with or without polydactyly (SRTD10). Identifiers: Orphanet 474, MedGen C3810175, MONDO:0014284, OMIM 615630.

Allele frequency attached by ClinVar (database versions not stated): gnomAD exomes below 0.00001; TOPMed below 0.00001; gnomAD 0.00001.

Submission:

Labcorp Genetics (formerly Invitae), Labcorp
Classification: Uncertain significance for Retinitis pigmentosa 71; Short-rib thoracic dysplasia 10 with or without polydactyly. Last evaluated: 2022-06-09. Review status: criteria provided, single submitter. Criteria: Invitae Variant Classification Sherloc (09022015). Collection method: clinical testing. Allele origin: germline.
Comment: In summary, the available evidence is currently insufficient to determine the role of this variant in disease. Therefore, it has been classified as a Variant of Uncertain Significance. Algorithms developed to predict the effect of missense changes on protein structure and function output the following: SIFT: "Tolerated"; PolyPhen-2: "Benign"; Align-GVGD: "Class C0". The lysine amino acid residue is found in multiple mammalian species, which suggests that this missense change does not adversely affect protein function. This variant has not been reported in the literature in individuals affected with IFT172-related conditions. This variant is present in population databases (no rsID available, gnomAD 0.004%). This sequence change replaces glutamic acid, which is acidic and polar, with lysine, which is basic and polar, at codon 665 of the IFT172 protein (p.Glu665Lys).